The following is an entry in ClinVar:

ClinVar aggregate classification (germline): Conflicting classifications of pathogenicity. Review status: criteria provided, conflicting classifications (1 of 4 stars). 3 submissions from 3 submitters: Uncertain significance (1); Likely benign (2). Last evaluated 2026-02-02.

Conditions:
Neuromuscular disease caused by qualitative or quantitative defects of dysferlin. Also called: Qualitative or quantitative defects of dysferlin; Dysferlinopathy. Identifiers: Orphanet 207073, MedGen C2931687, MONDO:0016145.

Allele frequency attached by ClinVar (database versions not stated): gnomAD 0.00001 and 0.00003; ExAC 0.00004; gnomAD exomes 0.00005; 1000 Genomes Project 0.00020; 1000 Genomes Project 30x 0.00031.
gnomAD v4.1: 51 of 1,613,948 alleles (0.0032%); highest among the groups gnomAD compares: South Asian, 0.046%; no homozygotes.

Submissions (3):

Labcorp Genetics (formerly Invitae), Labcorp
Classification: Likely benign for Neuromuscular disease caused by qualitative or quantitative defects of dysferlin. Last evaluated: 2026-02-02. Review status: criteria provided, single submitter. Criteria: Invitae Variant Classification Sherloc (09022015). Collection method: clinical testing. Allele origin: germline.

CeGaT Center for Human Genetics Tuebingen
Classification: Likely benign. Last evaluated: 2022-12-01. Review status: criteria provided, single submitter. Criteria: CeGaT Center For Human Genetics Tuebingen Variant Classification Criteria Version 2. Collection method: clinical testing. Allele origin: germline. Affected: yes. Observed: 1 variant allele.
Comment: DYSF: BP4, BP7

Eurofins Ntd Llc (ga)
Classification: Uncertain significance. Last evaluated: 2018-04-13. Review status: criteria provided, single submitter. Criteria: EGL ClinVar v180209 classification definitions. Collection method: clinical testing. Allele origin: germline. Observed: 1 variant allele, 1 heterozygote.

NM_001130987.2(DYSF):c.4149G>A (p.Thr1383=)

Gene: DYSF (dysferlin; plus strand). Cytogenetic location: 2p13.2.
Variant type: single nucleotide variant.
Coding change: c.4149G>A on transcript NM_001130987.2 (MANE Select); coding-DNA position 4149, G replaced by A.
Protein change: p.Thr1383=; no amino-acid change (threonine 1383 retained).
Molecular consequence: synonymous variant.
Genome position (GRCh38, 1-based): chr2:71,611,554, G>A. VCF-style: chr2-71611554-G-A. GRCh37 (hg19) VCF-style: chr2-71838684-G-A.
Other names: c.4098G>A, p.Thr1366= (NM_001130455.2, NM_001130983.2); c.4053G>A, p.Thr1351= (NM_001130976.2, NM_001130977.2); c.4095G>A, p.Thr1365= (NM_001130978.2, NM_003494.4); c.4188G>A, p.Thr1396= (NM_001130979.2); c.4146G>A, p.Thr1382= (NM_001130980.2, NM_001130981.2); c.4191G>A, p.Thr1397= (NM_001130982.2); c.4056G>A, p.Thr1352= (NM_001130984.2, NM_001130986.2); c.4149G>A, p.Thr1383= (NM_001130985.2).
Identifiers: ClinVar variation 596817 (VCV000596817.39), dbSNP rs566381009, ClinGen allele CA1706905.